The following is an entry in ClinVar:

ClinVar aggregate classification (germline): Uncertain significance. Review status: criteria provided, multiple submitters, no conflicts (2 of 4 stars). 2 submissions from 2 submitters: Uncertain significance (2). Last evaluated 2025-01-06.

Conditions:
Hereditary cancer-predisposing syndrome. Also called: Neoplastic Syndromes, Hereditary; Hereditary neoplastic syndrome; Hereditary Cancer Syndrome; Tumor predisposition. Identifiers: Orphanet 140162, MedGen C0027672, MeSH D009386, MONDO:0015356.

Allele frequency attached by ClinVar (database versions not stated): ExAC 0.00001.

Submissions (2):

Ambry Genetics
Classification: Uncertain significance for Hereditary cancer-predisposing syndrome. Last evaluated: 2025-01-06. Review status: criteria provided, single submitter. Criteria: Ambry Variant Classification Scheme 2023. Collection method: clinical testing. Allele origin: germline.
Comment: The p.S602N variant (also known as c.1805G>A), located in coding exon 8 of the BARD1 gene, results from a G to A substitution at nucleotide position 1805. The serine at codon 602 is replaced by asparagine, an amino acid with highly similar properties. This amino acid position is conserved. In addition, this alteration is predicted to be tolerated by in silico analysis. Since supporting evidence is limited at this time, the clinical significance of this alteration remains unclear.

Quest Diagnostics Nichols Institute San Juan Capistrano
Classification: Uncertain significance. Last evaluated: 2021-08-16. Review status: criteria provided, single submitter. Criteria: Quest Diagnostics criteria. Collection method: clinical testing. Allele origin: unknown.

NM_000465.4(BARD1):c.1805G>A (p.Ser602Asn)

Gene: BARD1 (BRCA1 associated RING domain 1; minus strand). Cytogenetic location: 2q35.
Variant type: single nucleotide variant.
Coding change: c.1805G>A on transcript NM_000465.4 (MANE Select); coding-DNA position 1805, G replaced by A.
Protein change: p.Ser602Asn; replaces serine 602 with asparagine.
Molecular consequence: missense variant. On other transcripts: non-coding transcript variant (3), intron variant (1).
Genome position (GRCh38, 1-based): chr2:214,745,727, C>T on the plus strand (G>A on the coding strand, the complement: BARD1 is on the minus strand). VCF-style: chr2-214745727-C-T. GRCh37 (hg19) VCF-style: chr2-215610451-C-T.
Other names: c.1748G>A, p.Ser583Asn (NM_001282543.2); c.452G>A, p.Ser151Asn (NM_001282545.2); c.395G>A, p.Ser132Asn (NM_001282548.2); c.365-15219G>A (NM_001282549.2); c.1805G>A (NM_000465.2); short protein forms S132N, S151N, S583N, S602N.
Identifiers: ClinVar variation 1809544 (VCV001809544.4), dbSNP rs761883180, ClinGen allele CA2090169.